The following is an entry in ClinVar:

ClinVar aggregate classification (germline): Conflicting classifications of pathogenicity. Review status: criteria provided, conflicting classifications (1 of 4 stars). 4 submissions from 4 submitters: Uncertain significance (1); Likely benign (2). 1 of the submissions does not count toward it. Last evaluated 2025-03-17.

Conditions:
PLCB1-related disorder. Also called: PLCB1-related condition.
Developmental and epileptic encephalopathy, 12 (DEE12). Identifiers: MedGen C3150988, MONDO:0013389, OMIM 613722.

Allele frequency attached by ClinVar (database versions not stated): ExAC 0.00004; TOPMed 0.00004; gnomAD 0.00005 and 0.00006; gnomAD exomes 0.00005; ESP Exome Variant Server 0.00008.
gnomAD v4.1: 114 of 1,612,276 alleles (0.0071%); highest among the groups gnomAD compares: Non-Finnish European, 0.0089%; no homozygotes.

Submissions (4):

Labcorp Genetics (formerly Invitae), Labcorp
Classification: Likely benign for Developmental and epileptic encephalopathy, 12. Last evaluated: 2025-03-17. Review status: criteria provided, single submitter. Criteria: Invitae Variant Classification Sherloc (09022015). Collection method: clinical testing. Allele origin: germline.

CeGaT Center for Human Genetics Tuebingen
Classification: Likely benign. Last evaluated: 2025-03-01. Review status: criteria provided, single submitter. Criteria: CeGaT Center For Human Genetics Tuebingen Variant Classification Criteria Version 2. Collection method: clinical testing. Allele origin: germline. Affected: yes. Observed: 1 variant allele.
Comment: PLCB1: BP4, BP7

Eurofins Ntd Llc (ga)
Classification: Uncertain significance. Last evaluated: 2016-07-12. Review status: criteria provided, single submitter. Criteria: EGL Classification Definitions 2015. Collection method: clinical testing. Allele origin: germline. Observed: 1 variant allele, 1 heterozygote.

PreventionGenetics, part of Exact Sciences
Classification: Likely benign for PLCB1-related condition. Last evaluated: 2020-10-08. Review status: no assertion criteria provided. Collection method: clinical testing. Allele origin: germline. Not counted in ClinVar's aggregate classification.
Comment: This variant is classified as likely benign based on ACMG/AMP sequence variant interpretation guidelines (Richards et al. 2015 PMID: 25741868, with internal and published modifications).

NM_015192.4(PLCB1):c.1188G>A (p.Ala396=)

Gene: PLCB1 (phospholipase C beta 1; plus strand). Cytogenetic location: 20p12.3.
Variant type: single nucleotide variant.
Coding change: c.1188G>A on transcript NM_015192.4 (MANE Select); coding-DNA position 1188, G replaced by A.
Protein change: p.Ala396=; no amino-acid change (alanine 396 retained).
Molecular consequence: synonymous variant.
Genome position (GRCh38, 1-based): chr20:8,708,690, G>A. VCF-style: chr20-8708690-G-A. GRCh37 (hg19) VCF-style: chr20-8689337-G-A.
Other names: c.1188G>A (NM_015192.3); c.1188G>A, p.Ala396= (NM_182734.3).
Identifiers: ClinVar variation 288753 (VCV000288753.22), dbSNP rs202109404, ClinGen allele CA9759899.